The following is an entry in ClinVar:

ClinVar aggregate classification (germline): Conflicting classifications of pathogenicity. Review status: criteria provided, conflicting classifications (1 of 4 stars). 2 submissions from 2 submitters: Uncertain significance (1); Likely benign (1). Last evaluated 2026-03-23.

Conditions:
CRYM-related disorder. Also called: CRYM-related condition.

gnomAD v4.1: 12 of 1,547,924 alleles (0.00078%); highest among the groups gnomAD compares: East Asian, 0.029%; no homozygotes.

Submissions (2):

PreventionGenetics, part of Exact Sciences
Classification: Likely benign for CRYM-related condition. Last evaluated: 2026-03-23. Review status: criteria provided, single submitter. Criteria: ACMG Guidelines, 2015. Collection method: clinical testing. Allele origin: germline.
Comment: This variant is classified as likely benign based on ACMG/AMP sequence variant interpretation guidelines (Richards et al. 2015 PMID: 25741868, with internal and published modifications).

Labcorp Genetics (formerly Invitae), Labcorp
Classification: Uncertain significance. Last evaluated: 2024-09-03. Review status: criteria provided, single submitter. Criteria: Invitae Variant Classification Sherloc (09022015). Collection method: clinical testing. Allele origin: germline.
Comment: This sequence change replaces threonine, which is neutral and polar, with proline, which is neutral and non-polar, at codon 48 of the CRYM protein (p.Thr48Pro). This variant is present in population databases (rs201393532, gnomAD 0.06%). This variant has not been reported in the literature in individuals affected with CRYM-related conditions. Invitae Evidence Modeling of protein sequence and biophysical properties (such as structural, functional, and spatial information, amino acid conservation, physicochemical variation, residue mobility, and thermodynamic stability) indicates that this missense variant is not expected to disrupt CRYM protein function with a negative predictive value of 80%. In summary, the available evidence is currently insufficient to determine the role of this variant in disease. Therefore, it has been classified as a Variant of Uncertain Significance.

NM_001376256.1(CRYM):c.142A>C (p.Thr48Pro)

Genes: CRYM (crystallin mu; minus strand), LOC130058620 (ATAC-STARR-seq lymphoblastoid active region 10553; plus strand). Cytogenetic location: 16p12.2.
Variant type: single nucleotide variant.
Coding change: c.142A>C on transcript NM_001376256.1 (MANE Select); coding-DNA position 142, A replaced by C.
Protein change: p.Thr48Pro; replaces threonine 48 with proline.
Molecular consequence: missense variant.
Genome position (GRCh38, 1-based): chr16:21,278,110, T>G on the plus strand (A>C on the coding strand, the complement: CRYM is on the minus strand). VCF-style: chr16-21278110-T-G. GRCh37 (hg19) VCF-style: chr16-21289431-T-G.
Other names: c.142A>C, p.Thr48Pro (NM_001888.5); c.142A>C (NM_001888.4); short protein forms T48P.
Identifiers: ClinVar variation 3603856 (VCV003603856.2).
Genomic context (GRCh38, chr16:21,278,110, plus strand): 5'-TCCTGCCCCTGACCCCGACCCTCCTCACTCACCCCCTGTGCTTGGTCACCGGCACCACGG[T>G]GCGCACGGGCTGCATGACCCCTCCTTCGGGACCGCTGGAGAAGTTGGCCAGGGCCGTCTC-3'
Protein context (NP_001363185.1, residues 38-58): PEGGVMQPVR[Thr48Pro]VVPVTKHRGY